The following is an entry in ClinVar:

ClinVar aggregate classification (germline): Uncertain significance. Review status: criteria provided, multiple submitters, no conflicts (2 of 4 stars). 2 submissions from 2 submitters: Uncertain significance (2). Last evaluated 2025-10-26.

Conditions:
Tumor predisposition syndrome 3 (TPDS3). Also called: Glioma susceptibility 9; Melanoma, cutaneous malignant, susceptibility to, 10; LONG TELOMERE SYNDROME, POT1-RELATED; POT1 Tumor Predisposition. Identifiers: Orphanet 618, MedGen C4014476, MONDO:0014368, OMIM 615848.
Hereditary cancer-predisposing syndrome. Also called: Hereditary Cancer Syndrome; Hereditary neoplastic syndrome; Neoplastic Syndromes, Hereditary; Tumor predisposition. Identifiers: Orphanet 140162, MedGen C0027672, MeSH D009386, MONDO:0015356.

Submissions (2):

Ambry Genetics
Classification: Uncertain significance for Hereditary cancer-predisposing syndrome. Last evaluated: 2025-10-26. Review status: criteria provided, single submitter. Criteria: Ambry Variant Classification Scheme 2023. Collection method: clinical testing. Allele origin: germline.
Comment: The p.A630G variant (also known as c.1889C>G), located in coding exon 15 of the POT1 gene, results from a C to G substitution at nucleotide position 1889. The alanine at codon 630 is replaced by glycine, an amino acid with similar properties. This amino acid position is conserved. In addition, this alteration is predicted to be tolerated by in silico analysis. Based on the available evidence, the clinical significance of this variant remains unclear.

Labcorp Genetics (formerly Invitae), Labcorp
Classification: Uncertain significance for Tumor predisposition syndrome 3. Last evaluated: 2023-06-10. Review status: criteria provided, single submitter. Criteria: Invitae Variant Classification Sherloc (09022015). Collection method: clinical testing. Allele origin: germline.
Comment: Advanced modeling of protein sequence and biophysical properties (such as structural, functional, and spatial information, amino acid conservation, physicochemical variation, residue mobility, and thermodynamic stability) performed at Invitae indicates that this missense variant is not expected to disrupt POT1 protein function. In summary, the available evidence is currently insufficient to determine the role of this variant in disease. Therefore, it has been classified as a Variant of Uncertain Significance. This variant has not been reported in the literature in individuals affected with POT1-related conditions. This variant is not present in population databases (gnomAD no frequency). This sequence change replaces alanine, which is neutral and non-polar, with glycine, which is neutral and non-polar, at codon 630 of the POT1 protein (p.Ala630Gly).

NM_015450.3(POT1):c.1889C>G (p.Ala630Gly)

Gene: POT1 (protection of telomeres 1; minus strand). Cytogenetic location: 7q31.33.
Variant type: single nucleotide variant.
Coding change: c.1889C>G on transcript NM_015450.3 (MANE Select); coding-DNA position 1889, C replaced by G.
Protein change: p.Ala630Gly; replaces alanine 630 with glycine.
Molecular consequence: missense variant. On other transcripts: non-coding transcript variant (3).
Genome position (GRCh38, 1-based): chr7:124,823,978, G>C on the plus strand (C>G on the coding strand, the complement: POT1 is on the minus strand). VCF-style: chr7-124823978-G-C. GRCh37 (hg19) VCF-style: chr7-124464032-G-C.
Other names: c.1496C>G, p.Ala499Gly (NM_001042594.2); c.1889C>G (NM_015450.2); short protein forms A630G, A499G.
Identifiers: ClinVar variation 2758998 (VCV002758998.4), dbSNP rs2485332634, ClinGen allele CA369061079.